The following is an entry in ClinVar:

ClinVar aggregate classification (germline): Uncertain significance (1 of 4 stars; one submission).

Conditions:
CC2D2A-related disorder. Also called: CC2D2A-related condition; CC2D2A-related disorders. Identifiers: MedGen CN239313.

gnomAD v4.1: 1 of 1,613,680 alleles (0.000062%); highest among the groups gnomAD compares: Non-Finnish European, 0.000085%; no homozygotes.

Submission:

PreventionGenetics, part of Exact Sciences
Classification: Uncertain significance for CC2D2A-related condition. Last evaluated: 2025-09-14. Review status: criteria provided, single submitter. Criteria: ACMG Guidelines, 2015. Collection method: clinical testing. Allele origin: germline.
Comment: The CC2D2A c.2672A>C variant is predicted to result in the amino acid substitution p.Glu891Ala. To our knowledge, this variant has not been reported in the literature or in a large population database (gnomAD), indicating this variant is rare. An alternate missense change at the same amino acid position (p.Glu891Lys) has been reported in individuals with CC2D2A-related disorders (Bachmann-Gagescu et al. 2015. PubMed ID: 26092869; Lam et al. 2020. PubMed ID: 31577543). At this time, the clinical significance of this variant is uncertain due to the absence of conclusive functional and genetic evidence.

NM_001378615.1(CC2D2A):c.2672A>C (p.Glu891Ala)

Genes: CC2D2A (coiled-coil and C2 domain containing 2A; plus strand), FBXL5 (F-box and leucine rich repeat protein 5; minus strand). Cytogenetic location: 4p15.32.
Variant type: single nucleotide variant.
Coding change: c.2672A>C on transcript NM_001378615.1 (MANE Select); coding-DNA position 2672, A replaced by C.
Protein change: p.Glu891Ala; replaces glutamic acid 891 with alanine.
Molecular consequence: missense variant.
Genome position (GRCh38, 1-based): chr4:15,557,350, A>C. VCF-style: chr4-15557350-A-C. GRCh37 (hg19) VCF-style: chr4-15558973-A-C.
Other names: c.2672A>C, p.Glu891Ala (NM_001080522.2); c.2525A>C, p.Glu842Ala (NM_001378617.1); short protein forms E842A, E891A.
Identifiers: ClinVar variation 4993269 (VCV004993269.1).